The following is an entry in ClinVar:

ClinVar aggregate classification (germline): Uncertain significance. Review status: criteria provided, multiple submitters, no conflicts (2 of 4 stars). 2 submissions from 2 submitters: Uncertain significance (2). Last evaluated 2025-08-20.

Allele frequency attached by ClinVar (database versions not stated): gnomAD 0.00001; TOPMed 0.00001.
gnomAD v4.1: 26 of 1,613,970 alleles (0.0016%); highest among the groups gnomAD compares: Non-Finnish European, 0.0019%; no homozygotes.

Submissions (2):

Labcorp Genetics (formerly Invitae), Labcorp
Classification: Uncertain significance. Last evaluated: 2025-08-20. Review status: criteria provided, single submitter. Criteria: Invitae Variant Classification Sherloc (09022015). Collection method: clinical testing. Allele origin: germline.
Comment: This sequence change replaces methionine, which is neutral and non-polar, with arginine, which is basic and polar, at codon 577 of the KANK1 protein (p.Met577Arg). This variant is present in population databases (no rsID available, gnomAD 0.0009%). This variant has not been reported in the literature in individuals affected with KANK1-related conditions. ClinVar contains an entry for this variant (Variation ID: 2409956). Invitae Evidence Modeling of protein sequence and biophysical properties (such as structural, functional, and spatial information, amino acid conservation, physicochemical variation, residue mobility, and thermodynamic stability) indicates that this missense variant is not expected to disrupt KANK1 protein function with a negative predictive value of 80%. In summary, the available evidence is currently insufficient to determine the role of this variant in disease. Therefore, it has been classified as a Variant of Uncertain Significance.

Ambry Genetics
Classification: Uncertain significance. Last evaluated: 2022-10-25. Review status: criteria provided, single submitter. Criteria: Ambry Variant Classification Scheme 2023. Collection method: clinical testing. Allele origin: germline.

NM_015158.5(KANK1):c.1730T>G (p.Met577Arg)

Gene: KANK1 (KN motif and ankyrin repeat domains 1; plus strand). Cytogenetic location: 9p24.3.
Variant type: single nucleotide variant.
Coding change: c.1730T>G on transcript NM_015158.5 (MANE Select); coding-DNA position 1730, T replaced by G.
Protein change: p.Met577Arg; replaces methionine 577 with arginine.
Molecular consequence: missense variant. On other transcripts: non-coding transcript variant (1).
Genome position (GRCh38, 1-based): chr9:712,496, T>G. VCF-style: chr9-712496-T-G. GRCh37 (hg19) VCF-style: chr9-712496-T-G.
Other names: c.1730T>G, p.Met577Arg (NM_001256876.3, NM_001256877.3, NM_001354331.2 and 2 more transcripts); c.1256T>G, p.Met419Arg (NM_001354333.2, NM_001354335.2, NM_001354336.2 and 9 more transcripts); short protein forms M419R, M577R.
Identifiers: ClinVar variation 2409956 (VCV002409956.3), dbSNP rs1314712159, ClinGen allele CA372748839.